The following is an entry in ClinVar:

ClinVar aggregate classification (germline): Likely benign. Review status: criteria provided, multiple submitters, no conflicts (2 of 4 stars). 3 submissions from 3 submitters: Likely benign (2). 1 of the submissions does not count toward it. Last evaluated 2026-06-25.

Conditions:
FKBP10-related disorder. Also called: FKBP10-related condition.

Allele frequency attached by ClinVar (database versions not stated): ExAC 0.00012; gnomAD exomes 0.00012 and 0.00003; ESP Exome Variant Server 0.00054; 1000 Genomes Project 0.00020; TOPMed 0.00048; gnomAD 0.00036 and 0.00042; 1000 Genomes Project 30x 0.00016.

Submissions (3):

Women's Health and Genetics/Laboratory Corporation of America, LabCorp
Classification: Likely benign. Last evaluated: 2026-06-25. Review status: criteria provided, single submitter. Criteria: LabCorp Variant Classification Summary - May 2015. Collection method: clinical testing. Allele origin: germline.

Labcorp Genetics (formerly Invitae), Labcorp
Classification: Likely benign. Last evaluated: 2025-12-13. Review status: criteria provided, single submitter. Criteria: Invitae Variant Classification Sherloc (09022015). Collection method: clinical testing. Allele origin: germline.

PreventionGenetics, part of Exact Sciences
Classification: Likely benign for FKBP10-related condition. Last evaluated: 2019-06-19. Review status: no assertion criteria provided. Collection method: clinical testing. Allele origin: germline. Not counted in ClinVar's aggregate classification.
Comment: This variant is classified as likely benign based on ACMG/AMP sequence variant interpretation guidelines (Richards et al. 2015 PMID: 25741868, with internal and published modifications).

NM_021939.4(FKBP10):c.1479C>T (p.Tyr493=)

Gene: FKBP10 (FKBP prolyl isomerase 10; plus strand). Cytogenetic location: 17q21.2.
Variant type: single nucleotide variant.
Coding change: c.1479C>T on transcript NM_021939.4 (MANE Select); coding-DNA position 1479, C replaced by T.
Protein change: p.Tyr493=; no amino-acid change (tyrosine 493 retained).
Molecular consequence: synonymous variant.
Genome position (GRCh38, 1-based): chr17:41,821,733, C>T. VCF-style: chr17-41821733-C-T. GRCh37 (hg19) VCF-style: chr17-39977985-C-T.
Other names: c.1479C>T (NM_021939.3).
Identifiers: ClinVar variation 1651825 (VCV001651825.11), dbSNP rs143556345, ClinGen allele CA8566663.